The following is an entry in ClinVar:

NM_020821.3(VPS13C):c.10792C>T (p.Arg3598Cys)

Gene: VPS13C (vacuolar protein sorting 13 homolog C; minus strand). Cytogenetic location: 15q22.2.
Variant type: single nucleotide variant.
Coding change: c.10792C>T on transcript NM_020821.3 (MANE Select); coding-DNA position 10792, C replaced by T.
Protein change: p.Arg3598Cys; replaces arginine 3598 with cysteine.
Molecular consequence: missense variant.
Genome position (GRCh38, 1-based): chr15:61,868,730, G>A on the plus strand (C>T on the coding strand, the complement: VPS13C is on the minus strand). VCF-style: chr15-61868730-G-A. GRCh37 (hg19) VCF-style: chr15-62160929-G-A.
Other names: c.10792C>T, p.Arg3598Cys (NM_001018088.3); c.10663C>T, p.Arg3555Cys (NM_017684.5, NM_018080.4); short protein forms R3555C, R3598C.
Identifiers: ClinVar variation 4874334 (VCV004874334.2).

ClinVar aggregate classification (germline): Uncertain significance (1 of 4 stars; one submission).

gnomAD v4.1: 5 of 1,613,994 alleles (0.00031%); highest among the groups gnomAD compares: East Asian, 0.0022%; no homozygotes.

Submission:

CeGaT Center for Human Genetics Tuebingen
Classification: Uncertain significance. Last evaluated: 2026-03-01. Review status: criteria provided, single submitter. Criteria: CeGaT Center For Human Genetics Tuebingen Variant Classification Criteria Version 2. Collection method: clinical testing. Allele origin: germline. Affected: yes. Observed: 1 variant allele.
Comment: VPS13C: PM2